The following is an entry in ClinVar:

NM_001244008.2(KIF1A):c.1294C>G (p.Arg432Gly)

Gene: KIF1A (kinesin family member 1A; minus strand). Cytogenetic location: 2q37.3.
Variant type: single nucleotide variant.
Coding change: c.1294C>G on transcript NM_001244008.2 (MANE Select); coding-DNA position 1294, C replaced by G.
Protein change: p.Arg432Gly; replaces arginine 432 with glycine.
Molecular consequence: missense variant.
Genome position (GRCh38, 1-based): chr2:240,771,018, G>C on the plus strand (C>G on the coding strand, the complement: KIF1A is on the minus strand). VCF-style: chr2-240771018-G-C. GRCh37 (hg19) VCF-style: chr2-241710435-G-C.
Other names: c.1294C>G, p.Arg432Gly (NM_001320705.2, NM_001330289.2, NM_001379638.1); c.1369C>G, p.Arg457Gly (NM_001330290.2, NM_001379631.1, NM_001379634.1 and 2 more transcripts); c.1267C>G, p.Arg423Gly (NM_001379632.1, NM_001379633.1, NM_001379636.1 and 11 more transcripts); c.1342C>G, p.Arg448Gly (NM_001379637.1, NM_001379648.1); short protein forms R423G, R448G, R432G, R457G.
Identifiers: ClinVar variation 2944902 (VCV002944902.3), dbSNP rs763524814, ClinGen allele CA351330499.

ClinVar aggregate classification (germline): Uncertain significance (1 of 4 stars; one submission).

Conditions:
Neuropathy, hereditary sensory, type 2C. Also called: KIF1A-Related HSAN2 (HSAN2C); Hereditary sensory and autonomic neuropathy type IIC. Identifiers: Orphanet 970, MedGen C3280168, MONDO:0013634, OMIM 614213.
Hereditary spastic paraplegia 30. Identifiers: Orphanet 101010, MedGen C5235139, MONDO:0012476.
Intellectual disability, autosomal dominant 9 (NESCAVS). Also called: NESCAV SYNDROME; KIF1A-Related Neurodevelopmental Disorder. Identifiers: Orphanet 662367, MedGen C5393830, MONDO:0013656, OMIM 614255.

gnomAD v4.1: 1 of 1,612,918 alleles (0.000062%); highest among the groups gnomAD compares: African/African-American, 0.0013%; no homozygotes.

Submission:

Labcorp Genetics (formerly Invitae), Labcorp
Classification: Uncertain significance for Hereditary spastic paraplegia 30; Neuropathy, hereditary sensory, type 2C; Intellectual disability, autosomal dominant 9. Last evaluated: 2023-03-02. Review status: criteria provided, single submitter. Criteria: Invitae Variant Classification Sherloc (09022015). Collection method: clinical testing. Allele origin: germline.
Comment: In summary, the available evidence is currently insufficient to determine the role of this variant in disease. Therefore, it has been classified as a Variant of Uncertain Significance. Advanced modeling of protein sequence and biophysical properties (such as structural, functional, and spatial information, amino acid conservation, physicochemical variation, residue mobility, and thermodynamic stability) performed at Invitae indicates that this missense variant is expected to disrupt KIF1A protein function. This variant has not been reported in the literature in individuals affected with KIF1A-related conditions. This variant is not present in population databases (gnomAD no frequency). This sequence change replaces arginine, which is basic and polar, with glycine, which is neutral and non-polar, at codon 423 of the KIF1A protein (p.Arg423Gly).